The following is an entry in ClinVar:

NM_000193.4(SHH):c.562+111T>G

Gene: SHH (sonic hedgehog signaling molecule; minus strand). Cytogenetic location: 7q36.3.
Variant type: single nucleotide variant.
Coding change: c.562+111T>G on transcript NM_000193.4 (MANE Select); 111 bases into the intron after coding-DNA position 562, T replaced by G.
Molecular consequence: intron variant.
Genome position (GRCh38, 1-based): chr7:155,806,185, A>C on the plus strand (T>G on the coding strand, the complement: SHH is on the minus strand). VCF-style: chr7-155806185-A-C. GRCh37 (hg19) VCF-style: chr7-155598879-A-C.
Other names: c.301+111T>G (NM_001310462.2).
Identifiers: ClinVar variation 675003 (VCV000675003.2), dbSNP rs1233554, ClinGen allele CA12490676.

ClinVar aggregate classification (germline): Benign. Review status: criteria provided, multiple submitters, no conflicts (2 of 4 stars). 2 submissions from 2 submitters: Benign (2). Last evaluated 2018-06-14.

Allele frequency attached by ClinVar (database versions not stated): gnomAD exomes 0.78184; gnomAD 0.78681 and 0.79135; TOPMed 0.78972; 1000 Genomes Project 30x 0.84072; 1000 Genomes Project 0.84365.
gnomAD v4.1: 1,060,034 of 1,353,054 alleles (78%); highest among the groups gnomAD compares: East Asian, 98%; 417,622 homozygotes.

Submissions (2):

GeneDx
Classification: Benign. Last evaluated: 2018-06-14. Review status: criteria provided, single submitter. Criteria: GeneDx Variant Classification (06012015). Collection method: clinical testing. Allele origin: germline. Affected: yes.
Comment: This variant is considered likely benign or benign based on one or more of the following criteria: it is a conservative change, it occurs at a poorly conserved position in the protein, it is predicted to be benign by multiple in silico algorithms, and/or has population frequency not consistent with disease.

Breakthrough Genomics
Classification: Benign. Review status: criteria provided, single submitter. Criteria: ACMG Guidelines, 2015. Collection method: not provided. Allele origin: germline. Inheritance: Autosomal dominant inheritance. Affected: yes.